The following is an entry in ClinVar:

ClinVar aggregate classification (germline): Uncertain significance (1 of 4 stars; one submission).

Submission:

GeneDx
Classification: Uncertain significance. Last evaluated: 2023-12-11. Review status: criteria provided, single submitter. Criteria: GeneDx Variant Classification Process June 2021. Collection method: clinical testing. Allele origin: germline. Affected: yes.
Comment: Not observed at significant frequency in large population cohorts (gnomAD); In silico analysis supports that this missense variant does not alter protein structure/function; Has not been previously published as pathogenic or benign to our knowledge

NM_005120.3(MED12):c.3961A>G (p.Met1321Val)

Gene: MED12 (mediator complex subunit 12; plus strand). Cytogenetic location: Xq13.1.
Variant type: single nucleotide variant.
Coding change: c.3961A>G on transcript NM_005120.3 (MANE Select); coding-DNA position 3961, A replaced by G.
Protein change: p.Met1321Val; replaces methionine 1321 with valine.
Molecular consequence: missense variant.
Genome position (GRCh38, 1-based): chrX:71,130,128, A>G. VCF-style: chrX-71130128-A-G. GRCh37 (hg19) VCF-style: chrX-70349978-A-G.
Other names: short protein forms M1321V.
Identifiers: ClinVar variation 3253454 (VCV003253454.1), dbSNP rs2519695056.
Genomic context (GRCh38, chrX:71,130,128, plus strand): 5'-TGTGAGGACAGCAATGACCTGCAAGACCCAGTGTTGAGTAGTGCCCAGGCGCAGCGCCTC[A>G]TGCAGCTCATTTGCTATCCACATCGACTGCTGGACAATGAGGATGGGGAAAACCCCCAGC-3'
Protein context (NP_005111.2, residues 1311-1331): VLSSAQAQRL[Met1321Val]QLICYPHRLL